The following is an entry in ClinVar:

NM_000094.4(COL7A1):c.6788G>T (p.Gly2263Val)

Gene: COL7A1 (collagen type VII alpha 1 chain; minus strand). Cytogenetic location: 3p21.31.
Variant type: single nucleotide variant.
Coding change: c.6788G>T on transcript NM_000094.4 (MANE Select); coding-DNA position 6788, G replaced by T.
Protein change: p.Gly2263Val; replaces glycine 2263 with valine.
Molecular consequence: missense variant.
Genome position (GRCh38, 1-based): chr3:48,572,905, C>A on the plus strand (G>T on the coding strand, the complement: COL7A1 is on the minus strand). VCF-style: chr3-48572905-C-A. GRCh37 (hg19) VCF-style: chr3-48610338-C-A.
Other names: c.6788G>T (NM_000094.3); short protein forms G2263V.
Identifiers: ClinVar variation 1515486 (VCV001515486.7), dbSNP rs1405839597, ClinGen allele CA352654731.

ClinVar aggregate classification (germline): Likely pathogenic. Review status: criteria provided, multiple submitters, no conflicts (2 of 4 stars). 2 submissions from 2 submitters: Likely pathogenic (2). Last evaluated 2025-11-14.

Conditions:
Epidermolysis bullosa dystrophica. Also called: Dystrophic epidermolysis bullosa, Hallopeau-Siemens type (formerly); Dystrophic epidermolysis bullosa. Identifiers: Orphanet 303, MedGen C0079294, MONDO:0006543.

gnomAD v4.1: 1 of 1,613,974 alleles (0.000062%); highest among the groups gnomAD compares: Non-Finnish European, 0.000085%; no homozygotes.

Submissions (2):

Natera, Inc.
Classification: Likely pathogenic for Dystrophic epidermolysis bullosa. Last evaluated: 2025-11-14. Review status: criteria provided, single submitter. Criteria: Natera Variant Classification Schema (03/2026). Collection method: clinical testing. Allele origin: germline.
Comment: The c.6788G>T variant in COL7A1 is a missense variant predicted to cause substitution of glycine to valine at amino acid 2263. This variant is rare in the general population with a frequency below the threshold expected for the associated phenotype(s). This variant has been observed in one or more individuals affected with the associated recessive disease, as either homozygous or compound heterozygous with a second variant (PMID: 14616374, 38803406, 37623260). A different variant at the same position has been determined to be Pathogenic or Likely Pathogenic. Computational prediction algorithms indicate this variant is likely to affect gene or protein function. Given the available evidence, this variant is classified as Likely Pathogenic.

Labcorp Genetics (formerly Invitae), Labcorp
Classification: Likely pathogenic. Last evaluated: 2021-09-01. Review status: criteria provided, single submitter. Criteria: Invitae Variant Classification Sherloc (09022015). Collection method: clinical testing. Allele origin: germline.
Comment: In summary, the currently available evidence indicates that the variant is pathogenic, but additional data are needed to prove that conclusively. Therefore, this variant has been classified as Likely Pathogenic. This variant disrupts the p.Gly2263 amino acid residue in COL7A1. Other variant(s) that disrupt this residue have been observed in individuals with COL7A1-related conditions (PMID: 29334134), which suggests that this may be a clinically significant amino acid residue. This variant disrupts the triple helix domain of COL7A1. Glycine residues within the Gly-Xaa-Yaa repeats of the triple helix domain are required for the structure and stability of fibrillar collagens (PMID: 7695699, 8218237, 19344236), and variants at these glycine residues in COL7A1 are more frequently observed in individuals with disease than in the general population (PMID: 22058051). However, the clinical significance of this observation remains uncertain since only a limited number of affected individuals have been described to date. Advanced modeling of protein sequence and biophysical properties (such as structural, functional, and spatial information, amino acid conservation, physicochemical variation, residue mobility, and thermodynamic stability) performed at Invitae indicates that this missense variant is expected to disrupt COL7A1 protein function. This sequence change replaces glycine with valine at codon 2263 of the COL7A1 protein (p.Gly2263Val). The glycine residue is highly conserved and there is a moderate physicochemical difference between glycine and valine. This variant is not present in population databases (ExAC no frequency). This missense change has been observed in individual(s) with autosomal recessive epidermolysis bullosa dystrophica (PMID: 10504458, 14616374; Invitae). In at least one individual the data is consistent with the variant being in trans (on the opposite chromosome) from a pathogenic variant.

Literature cited by the submitters: PubMed 14616374 (cited by Natera, Inc. and Labcorp Genetics (formerly Invitae), Labcorp); PubMed 38803406 (cited by Natera, Inc.); PubMed 37623260 (cited by Natera, Inc.); PubMed 29334134 (cited by Labcorp Genetics (formerly Invitae), Labcorp); PubMed 7695699 (cited by Labcorp Genetics (formerly Invitae), Labcorp); PubMed 8218237 (cited by Labcorp Genetics (formerly Invitae), Labcorp); PubMed 19344236 (cited by Labcorp Genetics (formerly Invitae), Labcorp); PubMed 22058051 (cited by Labcorp Genetics (formerly Invitae), Labcorp); PubMed 10504458 (cited by Labcorp Genetics (formerly Invitae), Labcorp).